The following is an entry in ClinVar:

NM_013451.4(MYOF):c.5922C>T (p.Asn1974=)

Gene: MYOF (myoferlin; minus strand). Cytogenetic location: 10q23.33.
Variant type: single nucleotide variant.
Coding change: c.5922C>T on transcript NM_013451.4 (MANE Select); coding-DNA position 5922, C replaced by T.
Protein change: p.Asn1974=; no amino-acid change (asparagine 1974 retained).
Molecular consequence: synonymous variant.
Genome position (GRCh38, 1-based): chr10:93,310,611, G>A on the plus strand (C>T on the coding strand, the complement: MYOF is on the minus strand). VCF-style: chr10-93310611-G-A. GRCh37 (hg19) VCF-style: chr10-95070368-G-A.
Other names: c.5883C>T, p.Asn1961= (NM_133337.3).
Identifiers: ClinVar variation 3040304 (VCV003040304.2), dbSNP rs186335544, ClinGen allele CA5606525.
Genomic context (GRCh38, chr10:93,310,611, plus strand): 5'-GGGGTTCATGTTGGGTTCGTCCCGCCCCTTCCCGGCTGGCCTCTCGTCGGCCTCCTTCTC[G>A]TTGAGGATTTCCAATGTCATCTCCACTTTCCCCTTCAGTAAAGCAGAGCAGGTTAAACAT-3'
Protein context (NP_038479.1, residues 1964-1984): GKVEMTLEIL[Asn1974=]EKEADERPAG

ClinVar aggregate classification (germline): Likely benign (0 of 4 stars; one submission).

Conditions:
MYOF-related disorder. Also called: MYOF-related condition.

Allele frequency attached by ClinVar (database versions not stated): gnomAD exomes 0.00009; gnomAD 0.00010; 1000 Genomes Project 30x 0.00031; 1000 Genomes Project 0.00040; ExAC 0.00044.
gnomAD v4.1: 148 of 1,614,150 alleles (0.0092%); highest among the groups gnomAD compares: East Asian, 0.27%; no homozygotes.

Submission:

PreventionGenetics, part of Exact Sciences
Classification: Likely benign for MYOF-related condition. Last evaluated: 2019-09-18. Review status: no assertion criteria provided. Collection method: clinical testing. Allele origin: germline.
Comment: This variant is classified as likely benign based on ACMG/AMP sequence variant interpretation guidelines (Richards et al. 2015 PMID: 25741868, with internal and published modifications).